The following is an entry in ClinVar:

ClinVar aggregate classification (germline): Uncertain significance (1 of 4 stars; one submission).

Conditions:
Familial hypobetalipoproteinemia 1. Also called: APOB-Related Familial Hypobetalipoproteinemia; Hypobetalipoproteinemia, normotriglyceridemic; Acanthocytosis with hypobetalipoproteinemia. Identifiers: MedGen C4551990, MONDO:0014252, OMIM 615558.
Hypercholesterolemia, autosomal dominant, type B (FHCL2). Also called: Familial Hypercholesterolemia Type B; APOLIPOPROTEIN B-100, FAMILIAL DEFECTIVE; APOLIPOPROTEIN B-100, FAMILIAL LIGAND-DEFECTIVE; HYPERCHOLESTEROLEMIA, FAMILIAL, DUE TO LIGAND-DEFECTIVE APOLIPOPROTEIN B; Familial hypercholesterolemia 2; Hyperlipoproteinemia Type IIb. Identifiers: MedGen C1704417, MONDO:0007751, OMIM 144010.

Submission:

Labcorp Genetics (formerly Invitae), Labcorp
Classification: Uncertain significance for Familial hypobetalipoproteinemia 1; Hypercholesterolemia, autosomal dominant, type B. Last evaluated: 2021-05-31. Review status: criteria provided, single submitter. Criteria: Invitae Variant Classification Sherloc (09022015). Collection method: clinical testing. Allele origin: germline.
Comment: This variant is not present in population databases (ExAC no frequency). This sequence change replaces proline with leucine at codon 65 of the APOB protein (p.Pro65Leu). The proline residue is weakly conserved and there is a moderate physicochemical difference between proline and leucine. In summary, the available evidence is currently insufficient to determine the role of this variant in disease. Therefore, it has been classified as a Variant of Uncertain Significance. Algorithms developed to predict the effect of missense changes on protein structure and function (SIFT, PolyPhen-2, Align-GVGD) all suggest that this variant is likely to be tolerated, but these predictions have not been confirmed by published functional studies and their clinical significance is uncertain. This variant has not been reported in the literature in individuals with APOB-related conditions.

NM_000384.3(APOB):c.194C>T (p.Pro65Leu)

Genes: APOB (apolipoprotein B; minus strand), LOC106560211 (APOB 5' regulatory region; plus strand). Cytogenetic location: 2p24.1.
Variant type: single nucleotide variant.
Coding change: c.194C>T on transcript NM_000384.3 (MANE Select); coding-DNA position 194, C replaced by T.
Protein change: p.Pro65Leu; replaces proline 65 with leucine.
Molecular consequence: missense variant.
Genome position (GRCh38, 1-based): chr2:21,042,404, G>A on the plus strand (C>T on the coding strand, the complement: APOB is on the minus strand). VCF-style: chr2-21042404-G-A. GRCh37 (hg19) VCF-style: chr2-21265276-G-A.
Other names: short protein forms P65L.
Identifiers: ClinVar variation 1495148 (VCV001495148.8), dbSNP rs1224871215, ClinGen allele CA345965117.
Genomic context (GRCh38, chr2:21,042,404, plus strand): 5'-GCCTGCATCCTCCATACCTTGCAGTTGATCCTGGTGGCACTTCTTGAATCAGCAGTCCCA[G>A]GGACTCCACTGGAACTCTCAGCCTCATAGTTGTATGTGTACTTCCGGAGGTGCTTGAATC-3'
Protein context (NP_000375.3, residues 55-75): NYEAESSSGV[Pro65Leu]GTADSRSATR